The following is an entry in ClinVar:

ClinVar aggregate classification (germline): Uncertain significance (1 of 4 stars; one submission).

Submission:

GeneDx
Classification: Uncertain significance. Last evaluated: 2022-01-10. Review status: criteria provided, single submitter. Criteria: GeneDx Variant Classification Process June 2021. Collection method: clinical testing. Allele origin: germline. Affected: yes.
Comment: Not observed at significant frequency in large population cohorts (gnomAD); In silico analysis supports that this missense variant does not alter protein structure/function; Missense variants in this gene are often considered pathogenic (HGMD); This substitution is predicted to be the extracellular loop between the S5 and S6 transmembrane segments of the first homologous domain; Has not been previously published as pathogenic or benign to our knowledge

NM_001165963.4(SCN1A):c.907A>G (p.Thr303Ala)

Gene: SCN1A (sodium voltage-gated channel alpha subunit 1; minus strand). Cytogenetic location: 2q24.3.
Variant type: single nucleotide variant.
Coding change: c.907A>G on transcript NM_001165963.4 (MANE Select); coding-DNA position 907, A replaced by G.
Protein change: p.Thr303Ala; replaces threonine 303 with alanine.
Molecular consequence: missense variant. On other transcripts: 5 prime UTR variant (1), non-coding transcript variant (1).
Genome position (GRCh38, 1-based): chr2:166,051,776, T>C on the plus strand (A>G on the coding strand, the complement: SCN1A is on the minus strand). VCF-style: chr2-166051776-T-C. GRCh37 (hg19) VCF-style: chr2-166908286-T-C.
Other names: c.-1519A>G (NM_001353961.2); c.907A>G, p.Thr303Ala (NM_006920.6, NM_001165964.3, NM_001202435.3 and 10 more transcripts); short protein forms T303A.
Identifiers: ClinVar variation 1695646 (VCV001695646.2), dbSNP rs774358847, ClinGen allele CA349072675.